The following is an entry in ClinVar:

ClinVar aggregate classification (germline): Benign/Likely benign. Review status: criteria provided, multiple submitters, no conflicts (2 of 4 stars). 9 submissions from 7 submitters: Benign (6); Likely benign (3). Last evaluated 2025-07-24.

Conditions:
von Willebrand disease type 2 (VWD2). Also called: VON WILLEBRAND DISEASE, TYPE II; VWD, TYPE 2; VON WILLEBRAND DISEASE, TYPE 2A/IIE; VON WILLEBRAND DISEASE, TYPE 2CB. Identifiers: Orphanet 166081, Orphanet 903, MedGen C1264040, MONDO:0013304, OMIM 613554.
Hereditary von Willebrand disease. Identifiers: Orphanet 903, MedGen C5703318, MONDO:0019565. Inheritance: Autosomal recessive or Autosomal dominant.
von Willebrand disease type 1 (VWD1). Also called: VON WILLEBRAND DISEASE, TYPE I; VWD, TYPE 1. Identifiers: Orphanet 166078, Orphanet 903, MedGen C1264039, MONDO:0008668, OMIM 193400. Inheritance: autosomal recessive or autosomal dominant.
von Willebrand disease type 3 (VWD3). Also called: Type 3 Von Willebrand's disease; Type 3 VWD; Von Willebrand disease, severe form; V WD3; VON WILLEBRAND DISEASE, TYPE III. Identifiers: Orphanet 166096, MedGen C1264041, MONDO:0010191, OMIM 277480.

Allele frequency attached by ClinVar (database versions not stated): gnomAD exomes 0.00190 and 0.00474; ExAC 0.00602; gnomAD 0.01758 and 0.01853; TOPMed 0.02037; ESP Exome Variant Server 0.02107; 1000 Genomes Project 0.02256; 1000 Genomes Project 30x 0.02498.
gnomAD v4.1: 5,634 of 1,612,140 alleles (0.35%); highest among the groups gnomAD compares: African/African-American, 6.2%; 156 homozygotes.

Submissions (9):

ARUP Laboratories, Molecular Genetics and Genomics, ARUP Laboratories
Classification: Benign. Last evaluated: 2025-07-24. Review status: criteria provided, single submitter. Criteria: ARUP Molecular Germline Variant Investigation Process 2024. Collection method: clinical testing. Allele origin: germline.

Mayo Clinic Laboratories, Mayo Clinic
Classification: Likely benign. Last evaluated: 2023-08-14. Review status: criteria provided, single submitter. Criteria: ACMG Guidelines, 2015. Collection method: clinical testing. Allele origin: germline. Observed: 10 variant alleles.
Comment: BS1, BP4, BP7

Quest Diagnostics Nichols Institute San Juan Capistrano
Classification: Benign. Last evaluated: 2022-07-15. Review status: criteria provided, single submitter. Criteria: Quest Diagnostics criteria. Collection method: clinical testing. Allele origin: unknown.

Genome-Nilou Lab
Classification: Benign for von Willebrand disease type 1. Last evaluated: 2021-12-05. Review status: criteria provided, single submitter. Criteria: ACMG Guidelines, 2015. Collection method: clinical testing. Allele origin: germline. Affected: no.

Genome-Nilou Lab
Classification: Benign for von Willebrand disease type 3. Last evaluated: 2021-12-05. Review status: criteria provided, single submitter. Criteria: ACMG Guidelines, 2015. Collection method: clinical testing. Allele origin: germline. Affected: no.

Genome-Nilou Lab
Classification: Benign for von Willebrand disease type 2. Last evaluated: 2021-12-05. Review status: criteria provided, single submitter. Criteria: ACMG Guidelines, 2015. Collection method: clinical testing. Allele origin: germline. Affected: no.

Illumina Laboratory Services, Illumina
Classification: Likely benign for von Willebrand disorder. Last evaluated: 2018-01-13. Review status: criteria provided, single submitter. Criteria: ICSL Variant Classification Criteria 13 December 2019. Collection method: clinical testing. Allele origin: germline.
Comment: This variant was observed in the ICSL laboratory as part of a predisposition screen in an ostensibly healthy population. It had not been previously curated by ICSL or reported in the Human Gene Mutation Database (HGMD: prior to June 1st, 2018), and was therefore a candidate for classification through an automated scoring system. Utilizing variant allele frequency, disease prevalence and penetrance estimates, and inheritance mode, an automated score was calculated to assess if this variant is too frequent to cause the disease. Based on the score and internal cut-off values, a variant classified as likely benign is not then subjected to further curation. The score for this variant resulted in a classification of likely benign for this disease.

Breakthrough Genomics
Classification: Likely benign. Review status: criteria provided, single submitter. Criteria: ACMG Guidelines, 2015. Collection method: not provided. Allele origin: germline. Inheritance: Autosomal recessive inheritance. Affected: yes.

PreventionGenetics, part of Exact Sciences
Classification: Benign. Review status: criteria provided, single submitter. Criteria: ACMG Guidelines, 2015. Collection method: clinical testing. Allele origin: germline.

NM_000552.5(VWF):c.1433-10T>C

Gene: VWF (von Willebrand factor; minus strand). Cytogenetic location: 12p13.31.
Variant type: single nucleotide variant.
Coding change: c.1433-10T>C on transcript NM_000552.5 (MANE Select); 10 bases into the intron before coding-DNA position 1433, T replaced by C.
Molecular consequence: intron variant.
Genome position (GRCh38, 1-based): chr12:6,063,064, A>G on the plus strand (T>C on the coding strand, the complement: VWF is on the minus strand). VCF-style: chr12-6063064-A-G. GRCh37 (hg19) VCF-style: chr12-6172230-A-G.
Other names: p.?; c.1433-10T>C (NM_000552.4).
Identifiers: ClinVar variation 256653 (VCV000256653.17), dbSNP rs66722092, ClinGen allele CA6403405.